The following is an entry in ClinVar:

ClinVar aggregate classification (germline): Uncertain significance (1 of 4 stars; one submission).

Submission:

Mayo Clinic Laboratories, Mayo Clinic
Classification: Uncertain significance. Last evaluated: 2024-03-01. Review status: criteria provided, single submitter. Criteria: ACMG Guidelines, 2015. Collection method: clinical testing. Allele origin: germline. Observed: 1 variant allele.
Comment: PM2, PM4

NM_000243.3(MEFV):c.371_379del (p.Pro124_Asn127delinsHis)

Gene: MEFV (MEFV innate immunity regulator, pyrin; minus strand). Cytogenetic location: 16p13.3.
Variant type: Deletion.
Coding change: c.371_379del on transcript NM_000243.3 (MANE Select); coding-DNA positions 371 to 379, 9 bases deleted (CCGAGGGGA; older notation c.371_379delCCGAGGGGA).
Protein change: p.Pro124_Asn127delinsHis.
Molecular consequence: inframe indel. On other transcripts: intron variant (1).
Genome position (GRCh38, 1-based): chr16:3,254,689-3,254,697, TCCCCTCGG deleted on the plus strand (CCGAGGGGA on the coding strand, the reverse complement: MEFV is on the minus strand). VCF-style (leftmost placement, unchanged base first): chr16-3254688-TTCCCCTCGG-T. GRCh37 (hg19) VCF-style: chr16-3304688-TTCCCCTCGG-T.
Other names: p.Pro124_Asn127delinsHis; c.371_379delCCGAGGGGA, p.Pro124_Asn127delinsHis (NM_000243.2); c.277+1614_277+1622del (NM_001198536.2).
Identifiers: ClinVar variation 3380364 (VCV003380364.1).